The following is an entry in ClinVar:

ClinVar aggregate classification (germline): Uncertain significance (1 of 4 stars; one submission).

Submission:

Labcorp Genetics (formerly Invitae), Labcorp
Classification: Uncertain significance. Last evaluated: 2025-10-23. Review status: criteria provided, single submitter. Criteria: Invitae Variant Classification Sherloc (09022015). Collection method: clinical testing. Allele origin: germline.
Comment: This sequence change replaces valine, which is neutral and non-polar, with methionine, which is neutral and non-polar, at codon 58 of the GUCY2C protein (p.Val58Met). This variant is not present in population databases (gnomAD no frequency). This variant has not been reported in the literature in individuals affected with GUCY2C-related conditions. Invitae Evidence Modeling of protein sequence and biophysical properties (such as structural, functional, and spatial information, amino acid conservation, physicochemical variation, residue mobility, and thermodynamic stability) indicates that this missense variant is not expected to disrupt GUCY2C protein function with a negative predictive value of 80%. In summary, the available evidence is currently insufficient to determine the role of this variant in disease. Therefore, it has been classified as a Variant of Uncertain Significance.

NM_004963.4(GUCY2C):c.172G>A (p.Val58Met)

Genes: GUCY2C (guanylate cyclase 2C; minus strand), GUCY2C-AS1 (GUCY2C antisense RNA 1; plus strand). Cytogenetic location: 12p12.3.
Variant type: single nucleotide variant.
Coding change: c.172G>A on transcript NM_004963.4 (MANE Select); coding-DNA position 172, G replaced by A.
Protein change: p.Val58Met; replaces valine 58 with methionine.
Molecular consequence: missense variant.
Genome position (GRCh38, 1-based): chr12:14,696,277, C>T on the plus strand (G>A on the coding strand, the complement: GUCY2C is on the minus strand). VCF-style: chr12-14696277-C-T. GRCh37 (hg19) VCF-style: chr12-14849211-C-T.
Other names: short protein forms V58M.
Identifiers: ClinVar variation 4740693 (VCV004740693.1).